The following is an entry in ClinVar:

NM_002454.3(MTRR):c.1591C>T (p.His531Tyr)

Gene: MTRR (5-methyltetrahydrofolate-homocysteine methyltransferase reductase; plus strand). Cytogenetic location: 5p15.31.
Variant type: single nucleotide variant.
Coding change: c.1591C>T on transcript NM_002454.3 (MANE Select); coding-DNA position 1591, C replaced by T.
Protein change: p.His531Tyr; replaces histidine 531 with tyrosine.
Molecular consequence: missense variant. On other transcripts: non-coding transcript variant (14).
Genome position (GRCh38, 1-based): chr5:7,895,767, C>T. VCF-style: chr5-7895767-C-T. GRCh37 (hg19) VCF-style: chr5-7895880-C-T.
Other names: c.1591C>T, p.His531Tyr (NM_001364440.2, NM_001364441.2, NM_001364442.2 and 1 more transcripts); short protein forms H531Y.
Identifiers: ClinVar variation 1358819 (VCV001358819.3), dbSNP rs767321681, ClinGen allele CA3195993.

ClinVar aggregate classification (germline): Uncertain significance (1 of 4 stars; one submission).

Conditions:
Methylcobalamin deficiency type cblE (HMAE). Also called: HOMOCYSTINURIA-MEGALOBLASTIC ANEMIA, cblE COMPLEMENTATION TYPE; HOMOCYSTINURIA-MEGALOBLASTIC ANEMIA, cblE TYPE; VITAMIN B12-RESPONSIVE HOMOCYSTINURIA, cblE TYPE. Identifiers: Orphanet 2169, Orphanet 622, MedGen C1856057, MONDO:0009354, OMIM 236270.

Allele frequency attached by ClinVar (database versions not stated): ExAC 0.00002; gnomAD exomes 0.00002 and 0.00009.
gnomAD v4.1: 133 of 1,613,992 alleles (0.0082%); highest among the groups gnomAD compares: Non-Finnish European, 0.011%; no homozygotes.

Submission:

Labcorp Genetics (formerly Invitae), Labcorp
Classification: Uncertain significance for Methylcobalamin deficiency type cblE. Last evaluated: 2022-01-07. Review status: criteria provided, single submitter. Criteria: Invitae Variant Classification Sherloc (09022015). Collection method: clinical testing. Allele origin: germline.
Comment: This sequence change replaces histidine, which is basic and polar, with tyrosine, which is neutral and polar, at codon 531 of the MTRR protein (p.His531Tyr). This variant is present in population databases (rs767321681, gnomAD 0.007%). This variant has not been reported in the literature in individuals affected with MTRR-related conditions. Algorithms developed to predict the effect of missense changes on protein structure and function are either unavailable or do not agree on the potential impact of this missense change (SIFT: "Deleterious"; PolyPhen-2: "Possibly Damaging"; Align-GVGD: "Class C15"). In summary, the available evidence is currently insufficient to determine the role of this variant in disease. Therefore, it has been classified as a Variant of Uncertain Significance.